The following is an entry in ClinVar:

NM_021620.4(PRDM13):c.528G>T (p.Ala176=)

Gene: PRDM13 (PR/SET domain 13; plus strand). Cytogenetic location: 6q16.2.
Variant type: single nucleotide variant.
Coding change: c.528G>T on transcript NM_021620.4 (MANE Select); coding-DNA position 528, G replaced by T.
Protein change: p.Ala176=; no amino-acid change (alanine 176 retained).
Molecular consequence: synonymous variant.
Genome position (GRCh38, 1-based): chr6:99,613,163, G>T. VCF-style: chr6-99613163-G-T. GRCh37 (hg19) VCF-style: chr6-100061039-G-T.
Other names: c.528G>T (NM_021620.3).
Identifiers: ClinVar variation 1979200 (VCV001979200.5), dbSNP rs1404287511, ClinGen allele CA451574395.

ClinVar aggregate classification (germline): Likely benign. Review status: criteria provided, multiple submitters, no conflicts (2 of 4 stars). 2 submissions from 2 submitters: Likely benign (2). Last evaluated 2025-09-14.

Conditions:
PRDM13-related disorder. Also called: PRDM13-related condition.

Allele frequency attached by ClinVar (database versions not stated): gnomAD exomes 0.00001.
gnomAD v4.1: 11 of 1,612,730 alleles (0.00068%); highest among the groups gnomAD compares: African/African-American, 0.0013%; no homozygotes.

Submissions (2):

PreventionGenetics, part of Exact Sciences
Classification: Likely benign for PRDM13-related condition. Last evaluated: 2025-09-14. Review status: criteria provided, single submitter. Criteria: ACMG Guidelines, 2015. Collection method: clinical testing. Allele origin: germline.
Comment: This variant is classified as likely benign based on ACMG/AMP sequence variant interpretation guidelines (Richards et al. 2015 PMID: 25741868, with internal and published modifications).

Labcorp Genetics (formerly Invitae), Labcorp
Classification: Likely benign. Last evaluated: 2025-01-01. Review status: criteria provided, single submitter. Criteria: Invitae Variant Classification Sherloc (09022015). Collection method: clinical testing. Allele origin: germline.